The following is an entry in ClinVar:

NM_005430.4(WNT1):c.644G>T (p.Arg215Leu)

Gene: WNT1 (Wnt family member 1; plus strand). Cytogenetic location: 12q13.12.
Variant type: single nucleotide variant.
Coding change: c.644G>T on transcript NM_005430.4 (MANE Select); coding-DNA position 644, G replaced by T.
Protein change: p.Arg215Leu; replaces arginine 215 with leucine.
Molecular consequence: missense variant.
Genome position (GRCh38, 1-based): chr12:48,981,171, G>T. VCF-style: chr12-48981171-G-T. GRCh37 (hg19) VCF-style: chr12-49374954-G-T.
Other names: short protein forms R215L.
Identifiers: ClinVar variation 2196533 (VCV002196533.5), dbSNP rs199735570, ClinGen allele CA6544449.

ClinVar aggregate classification (germline): Uncertain significance. Review status: criteria provided, multiple submitters, no conflicts (2 of 4 stars). 2 submissions from 2 submitters: Uncertain significance (2). Last evaluated 2025-12-11.

Allele frequency attached by ClinVar (database versions not stated): gnomAD 0.00004; TOPMed 0.00004; gnomAD exomes 0.00011; ExAC 0.00013; 1000 Genomes Project 30x 0.00016; 1000 Genomes Project 0.00020.

Submissions (2):

Women's Health and Genetics/Laboratory Corporation of America, LabCorp
Classification: Uncertain significance. Last evaluated: 2025-12-11. Review status: criteria provided, single submitter. Criteria: LabCorp Variant Classification Summary - May 2015. Collection method: clinical testing. Allele origin: germline.
Comment: Variant summary: WNT1 c.644G>T (p.Arg215Leu) results in a non-conservative amino acid change in the encoded protein sequence. Algorithms developed to predict the effect of missense changes on protein structure and function are either unavailable or do not agree on the potential impact of this missense change. The variant allele was found at a frequency of 0.00012 in 245506 control chromosomes. This frequency is not significantly higher than estimated for disease-causing variants in WNT1, allowing no conclusion about variant significance. To our knowledge, no occurrence of c.644G>T in individuals affected with WNT1-related conditions and no experimental evidence demonstrating its impact on protein function have been reported. ClinVar contains an entry for this variant (Variation ID: 2196533). Based on the evidence outlined above, the variant was classified as uncertain significance.

Labcorp Genetics (formerly Invitae), Labcorp
Classification: Uncertain significance. Last evaluated: 2025-05-16. Review status: criteria provided, single submitter. Criteria: Invitae Variant Classification Sherloc (09022015). Collection method: clinical testing. Allele origin: germline.
Comment: This sequence change replaces arginine, which is basic and polar, with leucine, which is neutral and non-polar, at codon 215 of the WNT1 protein (p.Arg215Leu). This variant is present in population databases (rs199735570, gnomAD 0.02%). This variant has not been reported in the literature in individuals affected with WNT1-related conditions. ClinVar contains an entry for this variant (Variation ID: 2196533). Invitae Evidence Modeling of protein sequence and biophysical properties (such as structural, functional, and spatial information, amino acid conservation, physicochemical variation, residue mobility, and thermodynamic stability) indicates that this missense variant is not expected to disrupt WNT1 protein function with a negative predictive value of 80%. In summary, the available evidence is currently insufficient to determine the role of this variant in disease. Therefore, it has been classified as a Variant of Uncertain Significance.